The following is an entry in ClinVar:

NM_005188.4(CBL):c.2101A>T (p.Met701Leu)

Gene: CBL (Cbl proto-oncogene; plus strand). Cytogenetic location: 11q23.3.
Variant type: single nucleotide variant.
Coding change: c.2101A>T on transcript NM_005188.4 (MANE Select); coding-DNA position 2101, A replaced by T.
Protein change: p.Met701Leu; replaces methionine 701 with leucine.
Molecular consequence: missense variant.
Genome position (GRCh38, 1-based): chr11:119,296,982, A>T. VCF-style: chr11-119296982-A-T. GRCh37 (hg19) VCF-style: chr11-119167692-A-T.
Other names: c.2101A>T (NM_005188.2); short protein forms M701L.
Identifiers: ClinVar variation 3634401 (VCV003634401.3).
Genomic context (GRCh38, chr11:119,296,982, plus strand): 5'-CTTCCTGTGCCAAAACTGCCACCTGGGGAGCAATGTGAGGGTGAAGAGGACACAGAGTAC[A>T]TGACTCCCTCTTCCAGGCCTCTACGGCCTTTGGATACATCCCAGAGTTCACGGTAGGTTC-3'
Protein context (NP_005179.2, residues 691-711): QCEGEEDTEY[Met701Leu]TPSSRPLRPL

ClinVar aggregate classification (germline): Uncertain significance. Review status: criteria provided, multiple submitters, no conflicts (2 of 4 stars). 2 submissions from 2 submitters: Uncertain significance (2). Last evaluated 2026-06-15.

Conditions:
RASopathy. Also called: rasopathies; Noonan spectrum disorder. Identifiers: Orphanet 536391, MedGen C5555857, MONDO:0021060.
Cardiovascular phenotype. Identifiers: MedGen CN230736.

Submissions (2):

Ambry Genetics
Classification: Uncertain significance for Cardiovascular phenotype. Last evaluated: 2026-06-15. Review status: criteria provided, single submitter. Criteria: Ambry Variant Classification Scheme 2023. Collection method: clinical testing. Allele origin: germline.
Comment: The p.M701L variant (also known as c.2101A>T), located in coding exon 13 of the CBL gene, results from an A to T substitution at nucleotide position 2101. The methionine at codon 701 is replaced by leucine, an amino acid with highly similar properties. This amino acid position is conserved. In addition, the in silico prediction for this alteration is inconclusive. Based on the available evidence, the clinical significance of this variant remains unclear.

Labcorp Genetics (formerly Invitae), Labcorp
Classification: Uncertain significance for RASopathy. Last evaluated: 2024-02-18. Review status: criteria provided, single submitter. Criteria: Invitae Variant Classification Sherloc (09022015). Collection method: clinical testing. Allele origin: germline.
Comment: This sequence change replaces methionine, which is neutral and non-polar, with leucine, which is neutral and non-polar, at codon 701 of the CBL protein (p.Met701Leu). This variant is not present in population databases (gnomAD no frequency). This variant has not been reported in the literature in individuals affected with CBL-related conditions. Advanced modeling of protein sequence and biophysical properties (such as structural, functional, and spatial information, amino acid conservation, physicochemical variation, residue mobility, and thermodynamic stability) performed at Invitae indicates that this missense variant is not expected to disrupt CBL protein function with a negative predictive value of 95%. In summary, the available evidence is currently insufficient to determine the role of this variant in disease. Therefore, it has been classified as a Variant of Uncertain Significance.